The following is an entry in ClinVar:

NM_001009944.3(PKD1):c.6084C>A (p.Tyr2028Ter)

Gene: PKD1 (polycystin 1, transient receptor potential channel interacting; minus strand). Cytogenetic location: 16p13.3.
Variant type: single nucleotide variant.
Coding change: c.6084C>A on transcript NM_001009944.3 (MANE Select); coding-DNA position 6084, C replaced by A.
Protein change: p.Tyr2028Ter; replaces tyrosine 2028 with a stop codon.
Molecular consequence: nonsense.
Genome position (GRCh38, 1-based): chr16:2,109,083, G>T on the plus strand (C>A on the coding strand, the complement: PKD1 is on the minus strand). VCF-style: chr16-2109083-G-T. GRCh37 (hg19) VCF-style: chr16-2159084-G-T.
Other names: c.6084C>A, p.Tyr2028Ter (NM_000296.4); short protein forms Y2028*.
Identifiers: ClinVar variation 872310 (VCV000872310.42), dbSNP rs757173009, ClinGen allele CA394374444.

ClinVar aggregate classification (germline): Pathogenic. Review status: criteria provided, multiple submitters, no conflicts (2 of 4 stars). 2 submissions from 2 submitters: Pathogenic (2). Last evaluated 2025-11-07.

Conditions:
Polycystic kidney disease, adult type (PKD1). Also called: Polycystic Kidney Disease 1, Autosomal Dominant; Polycystic kidney disease 1; Polycystic kidney disease 1, severe; POLYCYSTIC KIDNEY DISEASE 1 WITH OR WITHOUT POLYCYSTIC LIVER DISEASE; Polycystic Kidney, Autosomal Dominant; POLYCYSTIC KIDNEY DISEASE, ADULT, TYPE I. Identifiers: MedGen C3149841, MONDO:0008263, OMIM 173900.

Submissions (2):

Department of Human Genetics, Hannover Medical School
Classification: Pathogenic for Polycystic kidney disease, adult type. Last evaluated: 2025-11-07. Review status: criteria provided, single submitter. Criteria: ACMG Guidelines, 2015. Collection method: clinical testing. Allele origin: germline. Affected: yes.
Comment: PVS1, PM2_Supporting, PP4_Strong

CeGaT Center for Human Genetics Tuebingen
Classification: Pathogenic. Last evaluated: 2020-01-01. Review status: criteria provided, single submitter. Criteria: CeGaT Center For Human Genetics Tuebingen Variant Classification Criteria Version 2. Collection method: clinical testing. Allele origin: germline. Affected: yes. Observed: 1 variant allele.